The following is an entry in ClinVar:

ClinVar aggregate classification (germline): Uncertain significance (1 of 4 stars; one submission).

Conditions:
Microcephaly-intellectual disability-sensorineural hearing loss-epilepsy-abnormal muscle tone syndrome (NEDHSB). Also called: NEURODEVELOPMENTAL DISORDER WITH HEARING LOSS, SEIZURES, AND BRAIN ABNORMALITIES. Identifiers: Orphanet 457351, MedGen C4225276, MONDO:0014698, OMIM 616577.

Allele frequency attached by ClinVar (database versions not stated): gnomAD exomes below 0.00001.
gnomAD v4.1: 2 of 1,614,250 alleles (0.00012%); highest among the groups gnomAD compares: Non-Finnish European, 0.00017%; no homozygotes.

Submission:

Labcorp Genetics (formerly Invitae), Labcorp
Classification: Uncertain significance for Microcephaly-intellectual disability-sensorineural hearing loss-epilepsy-abnormal muscle tone syndrome. Last evaluated: 2022-03-23. Review status: criteria provided, single submitter. Criteria: Invitae Variant Classification Sherloc (09022015). Collection method: clinical testing. Allele origin: germline.
Comment: This variant has not been reported in the literature in individuals affected with SPATA5-related conditions. In summary, the available evidence is currently insufficient to determine the role of this variant in disease. Therefore, it has been classified as a Variant of Uncertain Significance. Advanced modeling of protein sequence and biophysical properties (such as structural, functional, and spatial information, amino acid conservation, physicochemical variation, residue mobility, and thermodynamic stability) performed at Invitae indicates that this missense variant is not expected to disrupt SPATA5 protein function. ClinVar contains an entry for this variant (Variation ID: 1057149). This variant is not present in population databases (gnomAD no frequency). This sequence change replaces leucine, which is neutral and non-polar, with serine, which is neutral and polar, at codon 20 of the SPATA5 protein (p.Leu20Ser).

NM_145207.3(AFG2A):c.59T>C (p.Leu20Ser)

Gene: AFG2A (AAA ATPase AFG2A; plus strand). Cytogenetic location: 4q28.1.
Variant type: single nucleotide variant.
Coding change: c.59T>C on transcript NM_145207.3 (MANE Select); coding-DNA position 59, T replaced by C.
Protein change: p.Leu20Ser; replaces leucine 20 with serine.
Molecular consequence: missense variant.
Genome position (GRCh38, 1-based): chr4:122,923,201, T>C. VCF-style: chr4-122923201-T-C. GRCh37 (hg19) VCF-style: chr4-123844356-T-C.
Other names: c.59T>C, p.Leu20Ser (NM_001317799.2, NM_001345856.2); short protein forms L20S.
Identifiers: ClinVar variation 1057149 (VCV001057149.4), dbSNP rs2125713841, ClinGen allele CA358097097.